The following is an entry in ClinVar:

NM_000051.4(ATM):c.4362A>C (p.Lys1454Asn)

Gene: ATM (ATM serine/threonine kinase; plus strand). Cytogenetic location: 11q22.3.
Variant type: single nucleotide variant.
Coding change: c.4362A>C on transcript NM_000051.4 (MANE Select); coding-DNA position 4362, A replaced by C.
Protein change: p.Lys1454Asn; replaces lysine 1454 with asparagine.
Molecular consequence: missense variant.
Genome position (GRCh38, 1-based): chr11:108,289,727, A>C. VCF-style: chr11-108289727-A-C. GRCh37 (hg19) VCF-style: chr11-108160454-A-C.
Other names: p.K1454N:AAA>AAC; c.4362A>C, p.Lys1454Asn (NM_001351834.2); short protein forms K1454N.
Identifiers: ClinVar variation 127386 (VCV000127386.99), dbSNP rs148993589, ClinGen allele CA286843.

ClinVar aggregate classification (germline): Conflicting classifications of pathogenicity. Review status: criteria provided, conflicting classifications (1 of 4 stars). 20 submissions from 20 submitters: Uncertain significance (8); Benign (2); Likely benign (8). 2 of the submissions do not count toward it. Last evaluated 2026-07-01.

Conditions:
ATM-related disorder. Also called: ATM-related disorders; ATM-related condition.
Hereditary cancer-predisposing syndrome. Also called: Neoplastic Syndromes, Hereditary; Hereditary Cancer Syndrome; Tumor predisposition; Hereditary neoplastic syndrome. Identifiers: Orphanet 140162, MedGen C0027672, MeSH D009386, MONDO:0015356.
Hereditary breast ovarian cancer syndrome. Also called: Hereditary breast and ovarian cancer syndrome; Breast and ovarian cancer; BRCA1- and BRCA2-Associated Hereditary Breast and Ovarian Cancer; Hereditary breast and ovarian cancer; Hereditary breast and ovarian cancer syndrome (HBOC); Hereditary breast and/or ovarian cancer syndrome. Identifiers: Orphanet 145, MedGen C0677776, MeSH D061325, MONDO:0003582. Disease mechanism: loss of function.
Familial cancer of breast. Also called: hereditary breast carcinoma; BREAST CANCER, FAMILIAL; Hereditary breast cancer. Identifiers: Orphanet 227535, MedGen C0346153, MONDO:0016419, OMIM 114480. Disease mechanism: loss of function.
Ataxia-telangiectasia syndrome (AT). Also called: LOUIS-BAR SYNDROME; Cerebello-oculocutaneous telangiectasia; Immunodeficiency with ataxia telangiectasia; Ataxia-telangiectasia, complementation group E; Ataxia telangiectasia (A-T); Ataxia-telangiectasia, complementation group D. Identifiers: Orphanet 100, MedGen C0004135, MONDO:0008840, OMIM 208900.

Allele frequency attached by ClinVar (database versions not stated): 1000 Genomes Project 0.00020; ESP Exome Variant Server 0.00023; gnomAD 0.00025 and 0.00026; TOPMed 0.00026; gnomAD exomes 0.00030 and 0.00041; 1000 Genomes Project 30x 0.00031; ExAC 0.00038.
gnomAD v4.1: 640 of 1,613,818 alleles (0.04%); highest among the groups gnomAD compares: Non-Finnish European, 0.05%; 1 homozygote.

Submissions 1 to 17 of 20:

CeGaT Center for Human Genetics Tuebingen
Classification: Uncertain significance. Last evaluated: 2026-07-01. Review status: criteria provided, single submitter. Criteria: CeGaT Center For Human Genetics Tuebingen Variant Classification Criteria Version 2. Collection method: clinical testing. Allele origin: germline. Affected: yes. Observed: 4 variant alleles.

Labcorp Genetics (formerly Invitae), Labcorp
Classification: Benign for Ataxia-telangiectasia syndrome. Last evaluated: 2026-02-03. Review status: criteria provided, single submitter. Criteria: Invitae Variant Classification Sherloc (09022015). Collection method: clinical testing. Allele origin: germline.

Women's Health and Genetics/Laboratory Corporation of America, LabCorp
Classification: Likely benign. Last evaluated: 2026-01-27. Review status: criteria provided, single submitter. Criteria: LabCorp Variant Classification Summary - May 2015. Collection method: clinical testing. Allele origin: germline.
Comment: Variant summary: ATM c.4362A>C (p.Lys1454Asn) results in a non-conservative amino acid change in the encoded protein sequence. Algorithms developed to predict the effect of missense changes on protein structure and function are either unavailable or do not agree on the potential impact of this missense change. The variant allele was found at a frequency of 0.0003 in 259596 control chromosomes, predominantly at a frequency of 0.0006 within the Non-Finnish European subpopulation in the gnomAD database. This frequency is not significantly higher than estimated for disease-causing variants in ATM, allowing no conclusion about variant significance. c.4362A>C has been observed in individuals undergoing multigene panel testing for a variety of hereditary cancers without strong evidence for causality (Broeks_2008, Tavtigian_2009, Tung_2015, Dalmasso_2021, Karlsson_2021). These reports do not provide unequivocal conclusions about association of the variant with Ataxia-Telangiectasia. To our knowledge, no experimental evidence demonstrating an impact on protein function has been reported. The following publications have been ascertained in the context of this evaluation (PMID: 17393301, 18502988, 19781682, 22529920, 20305132, 17623063, 25186627, 10425038, 28652578, 30447919, 30584090, 31173964, 33436325, 34262154). ClinVar contains an entry for this variant (Variation ID: 127386). Based on the evidence outlined above, the variant was classified as likely benign.

German Consortium for Hereditary Breast and Ovarian Cancer, University Hospital Cologne
Classification: Likely benign for Hereditary breast ovarian cancer syndrome. Last evaluated: 2025-06-10. Review status: criteria provided, single submitter. Criteria: ClinGen ATM V1.3.0. Collection method: curation. Allele origin: germline.
Comment: According to the ClinGen ACMG ATM v1.3.0 criteria we chose these criteria: BP4 (supporting benign): REVEL: 0.102; spliceAI: 0.0, BS1 (strong benign): Grpmax 0,047 European (non-Finnish) 1x homozygous

Quest Diagnostics Nichols Institute San Juan Capistrano
Classification: Uncertain significance. Last evaluated: 2025-06-02. Review status: criteria provided, single submitter. Criteria: Quest Diagnostics criteria. Collection method: clinical testing. Allele origin: unknown.

Center for Genomic Medicine, Rigshospitalet, Copenhagen University Hospital
Classification: Likely benign. Last evaluated: 2025-03-04. Review status: criteria provided, single submitter. Criteria: ACMG Guidelines, 2015. Collection method: clinical testing. Allele origin: germline.

PreventionGenetics, part of Exact Sciences
Classification: Likely benign for ATM-related condition. Last evaluated: 2024-12-05. Review status: criteria provided, single submitter. Criteria: ACMG Guidelines, 2015. Collection method: clinical testing. Allele origin: germline.
Comment: This variant is classified as likely benign based on ACMG/AMP sequence variant interpretation guidelines (Richards et al. 2015 PMID: 25741868, with internal and published modifications).

ARUP Laboratories, Molecular Genetics and Genomics, ARUP Laboratories
Classification: Likely benign. Last evaluated: 2024-12-03. Review status: criteria provided, single submitter. Criteria: ARUP Molecular Germline Variant Investigation Process 2024. Collection method: clinical testing. Allele origin: germline.

Myriad Genetics, Inc.
Classification: Likely benign for Familial cancer of breast. Last evaluated: 2024-05-17. Review status: criteria provided, single submitter. Criteria: Myriad Autosomal Dominant, Autosomal Recessive and X-Linked Classification Criteria (2023). Collection method: clinical testing. Allele origin: unknown.
Comment: This variant is considered likely benign. This variant is strongly associated with less severe personal and family histories of cancer, typical for individuals without pathogenic variants in this gene [PMID: 25085752].

Mayo Clinic Laboratories, Mayo Clinic
Classification: Uncertain significance. Last evaluated: 2023-09-05. Review status: criteria provided, single submitter. Criteria: ACMG Guidelines, 2015. Collection method: clinical testing. Allele origin: germline. Observed: 5 variant alleles.
Comment: BP4

Athena Diagnostics
Classification: Uncertain significance. Last evaluated: 2023-08-07. Review status: criteria provided, single submitter. Criteria: Athena Diagnostics Criteria. Collection method: clinical testing. Allele origin: unknown.
Comment: Available data are insufficient to determine the clinical significance of the variant at this time. The frequency of this variant in the general population is higher than would generally be expected for pathogenic variants in this gene. Computational tools disagree on the variant's effect on normal protein function.

GeneDx
Classification: Uncertain significance. Last evaluated: 2022-06-07. Review status: criteria provided, single submitter. Criteria: GeneDx Variant Classification Process June 2021. Collection method: clinical testing. Allele origin: germline. Affected: yes.
Comment: In silico analysis supports that this missense variant does not alter protein structure/function; Observed in individuals with breast, endometrial, or colon cancer (Maillet 2002, Broeks 2008, Tavtigian 2009, Lu 2015, Tung 2015, Ring 2016, Decker 2017, Pearlman 2017, Hampel 2018, Hauke 2018); Observed in an individual with idiopathic perifoveal telangiectasia (Barbazetto 2008); This variant is associated with the following publications: (PMID: 19781682, 12362033, 17393301, 22529920, 26689913, 12697903, 11505391, 27978560, 27443514, 25925381, 28779002, 25186627, 29522266, 29596542, 30197789, 10425038, 27150160, 25759019, 18502988, 33471991)

Institute for Clinical Genetics, University Hospital TU Dresden, University Hospital TU Dresden
Classification: Uncertain significance. Last evaluated: 2021-11-03. Review status: criteria provided, single submitter. Criteria: ACMG Guidelines, 2015. Collection method: clinical testing. Allele origin: germline.

Color Diagnostics, LLC DBA Color Health
Classification: Likely benign for Hereditary cancer-predisposing syndrome. Last evaluated: 2020-08-12. Review status: criteria provided, single submitter. Criteria: ACMG Guidelines, 2015. Collection method: clinical testing. Allele origin: germline.

Sema4
Classification: Likely benign for Hereditary cancer-predisposing syndrome. Last evaluated: 2020-07-21. Review status: criteria provided, single submitter. Criteria: Sema4 Curation Guidelines. Collection method: curation. Allele origin: germline.

Division of Medical Genetics, University of Washington
Classification: Uncertain significance for Familial cancer of breast. Last evaluated: 2019-11-25. Review status: criteria provided, single submitter. Criteria: ACMG Guidelines, 2015. Collection method: clinical testing. Allele origin: germline. Affected: no. Study: CSER_CHARM.
Comment: This variant has been reported in the literature in individuals with breast cancer and in an individual with endometrial cancer (Teraoka 2001, Broeks 2008, Tavtigian 2009, Lu 2015, Ring 2016), as well as in an individual with idiopathic perifoveal telangiectasia (Barbazetto 2008). This variant has an overall allele frequency of 0.0003 in the Broad Institute gnomAD Browser. In silico analyses indicate that this variant does not alter protein structure/function. Thus, it is unknown at this time whether this variant increases cancer risk. BP4

Ambry Genetics
Classification: Benign for Hereditary cancer-predisposing syndrome. Last evaluated: 2015-06-28. Review status: criteria provided, single submitter. Criteria: Ambry Variant Classification Scheme 2023. Collection method: clinical testing. Allele origin: germline.